The following is an entry in ClinVar:

NM_025099.6(CTC1):c.1688C>T (p.Ala563Val)

Gene: CTC1 (CST telomere replication complex component 1; minus strand). Cytogenetic location: 17p13.1.
Variant type: single nucleotide variant.
Coding change: c.1688C>T on transcript NM_025099.6 (MANE Select); coding-DNA position 1688, C replaced by T.
Protein change: p.Ala563Val; replaces alanine 563 with valine.
Molecular consequence: missense variant. On other transcripts: non-coding transcript variant (1).
Genome position (GRCh38, 1-based): chr17:8,234,585, G>A on the plus strand (C>T on the coding strand, the complement: CTC1 is on the minus strand). VCF-style: chr17-8234585-G-A. GRCh37 (hg19) VCF-style: chr17-8137903-G-A.
Other names: c.1688C>T, p.Ala563Val (NM_001411067.1); short protein forms A563V.
Identifiers: ClinVar variation 1982025 (VCV001982025.4), dbSNP rs2507918371, ClinGen allele CA397983086.

ClinVar aggregate classification (germline): Uncertain significance (1 of 4 stars; one submission).

Conditions:
Dyskeratosis congenita. Identifiers: Orphanet 1775, MedGen C0265965, MONDO:0015780.

Submission:

Labcorp Genetics (formerly Invitae), Labcorp
Classification: Uncertain significance for Dyskeratosis congenita. Last evaluated: 2022-03-22. Review status: criteria provided, single submitter. Criteria: Invitae Variant Classification Sherloc (09022015). Collection method: clinical testing. Allele origin: germline.
Comment: This sequence change replaces alanine, which is neutral and non-polar, with valine, which is neutral and non-polar, at codon 563 of the CTC1 protein (p.Ala563Val). This variant is not present in population databases (gnomAD no frequency). This variant has not been reported in the literature in individuals affected with CTC1-related conditions. Algorithms developed to predict the effect of missense changes on protein structure and function are either unavailable or do not agree on the potential impact of this missense change (SIFT: "Deleterious"; PolyPhen-2: "Probably Damaging"; Align-GVGD: "Class C0"). Algorithms developed to predict the effect of sequence changes on RNA splicing suggest that this variant may create or strengthen a splice site. In summary, the available evidence is currently insufficient to determine the role of this variant in disease. Therefore, it has been classified as a Variant of Uncertain Significance.